The following is an entry in ClinVar:

ClinVar aggregate classification (germline): Uncertain significance (1 of 4 stars; one submission).

Conditions:
Deafness-lymphedema-leukemia syndrome. Also called: Lymphedema, primary, with myelodysplasia; Emberger syndrome. Identifiers: Orphanet 3226, MedGen C3279664, MONDO:0013540, OMIM 614038.
Monocytopenia with susceptibility to infections. Also called: COMBINED IMMUNODEFICIENCY WITH SUSCEPTIBILITY TO MYCOBACTERIAL, VIRAL, AND FUNGAL INFECTIONS; MONOCYTOPENIA AND MYCOBACTERIAL INFECTION SYNDROME; MONOCYTOPENIA WITH SUSCEPTIBILITY TO MYCOBACTERIAL, FUNGAL, AND PAPILLOMAVIRUS INFECTIONS AND MYELODYSPLASIA; Dendritic cell, monocyte, B lymphocyte, and natural killer lymphocyte deficiency; IMMUNODEFICIENCY 21; GATA2 DEFICIENCY. Identifiers: Orphanet 228423, MedGen C3280030, MONDO:0013607, OMIM 614172.

Allele frequency attached by ClinVar (database versions not stated): ExAC 0.00001.
gnomAD v4.1: 3 of 1,614,026 alleles (0.00019%); highest among the groups gnomAD compares: South Asian, 0.0033%; no homozygotes.

Submission:

Labcorp Genetics (formerly Invitae), Labcorp
Classification: Uncertain significance for Monocytopenia with susceptibility to infections; Deafness-lymphedema-leukemia syndrome. Last evaluated: 2023-09-04. Review status: criteria provided, single submitter. Criteria: Invitae Variant Classification Sherloc (09022015). Collection method: clinical testing. Allele origin: germline.
Comment: In summary, the available evidence is currently insufficient to determine the role of this variant in disease. Therefore, it has been classified as a Variant of Uncertain Significance. Advanced modeling of protein sequence and biophysical properties (such as structural, functional, and spatial information, amino acid conservation, physicochemical variation, residue mobility, and thermodynamic stability) has been performed at Invitae for this missense variant, however the output from this modeling did not meet the statistical confidence thresholds required to predict the impact of this variant on GATA2 protein function. ClinVar contains an entry for this variant (Variation ID: 1450695). This variant has not been reported in the literature in individuals affected with GATA2-related conditions. This variant is present in population databases (rs750157738, gnomAD 0.003%). This sequence change replaces threonine, which is neutral and polar, with lysine, which is basic and polar, at codon 176 of the GATA2 protein (p.Thr176Lys).

NM_032638.5(GATA2):c.527C>A (p.Thr176Lys)

Gene: GATA2 (GATA binding protein 2; minus strand). Cytogenetic location: 3q21.3.
Variant type: single nucleotide variant.
Coding change: c.527C>A on transcript NM_032638.5 (MANE Select); coding-DNA position 527, C replaced by A.
Protein change: p.Thr176Lys; replaces threonine 176 with lysine.
Molecular consequence: missense variant.
Genome position (GRCh38, 1-based): chr3:128,486,071, G>T on the plus strand (C>A on the coding strand, the complement: GATA2 is on the minus strand). VCF-style: chr3-128486071-G-T. GRCh37 (hg19) VCF-style: chr3-128204914-G-T.
Other names: c.527C>A, p.Thr176Lys (NM_001145661.2, NM_001145662.1); short protein forms T176K.
Identifiers: ClinVar variation 1450695 (VCV001450695.8), dbSNP rs750157738, ClinGen allele CA2600010.